The following is an entry in ClinVar:

ClinVar aggregate classification (germline): Likely pathogenic. Review status: criteria provided, multiple submitters, no conflicts (2 of 4 stars). 4 submissions from 4 submitters: Likely pathogenic (4). Last evaluated 2026-09-03.

Conditions:
Dilated cardiomyopathy 1G (CMD1G). Identifiers: Orphanet 154, MedGen C1858763, MONDO:0011400, OMIM 604145.
Cardiovascular phenotype. Identifiers: MedGen CN230736.
Autosomal recessive limb-girdle muscular dystrophy type 2J (LGMDR10). Also called: Limb-girdle muscular dystrophy, type 2J; MUSCULAR DYSTROPHY, LIMB-GIRDLE, AUTOSOMAL RECESSIVE 10. Identifiers: Orphanet 140922, MedGen C1837342, MONDO:0012127, OMIM 608807.

Submissions (4):

GeneDx
Classification: Likely pathogenic. Last evaluated: 2026-09-03. Review status: criteria provided, single submitter. Criteria: GeneDx Variant Classification Process June 2021. Collection method: clinical testing. Allele origin: germline.
Comment: Frameshift variant predicted to result in protein truncation or nonsense mediated decay in a gene for which loss of function is a known mechanism of disease; Located in the A-band, a region of TTN for which truncating variants are significantly associated with autosomal dominant cardiomyopathy and also with autosomal recessive skeletal myopathies (PMID: 22335739, 32778822); Identified in a patient with dilated cardiomyopathy in published literature (PMID: 32998006); Not observed at significant frequency in large population cohorts (gnomAD); This variant is associated with the following publications: (PMID: 22335739, 32778822, 24575448, 32998006)

Ambry Genetics
Classification: Likely pathogenic for Cardiovascular phenotype. Last evaluated: 2024-07-19. Review status: criteria provided, single submitter. Criteria: Ambry Variant Classification Scheme 2023. Collection method: clinical testing. Allele origin: germline.
Comment: The c.57391_57394delAGAA variant, located in coding exon 153 of the TTN gene, results from a deletion of 4 nucleotides at nucleotide positions 57391 to 57394, causing a translational frameshift with a predicted alternate stop codon (p.R19131Afs*18). This exon is located in the A-band region of the N2-B isoform of the titin protein and is constitutively expressed in TTN transcripts (percent spliced in or PSI 100%). This variant is considered to be rare based on population cohorts in the Genome Aggregation Database (gnomAD). This variant (referred to as NM_001267550:c.84586_84589delAGAA, p.Arg28196Alafs*18) has been detected in a dilated cardiomyopathy cohort (Anderson JL et al. Am J Cardiol, 2020 Dec;137:97-102). This alteration is expected to result in loss of function by premature protein truncation or nonsense-mediated mRNA decay. While truncating variants in TTN are present in 1-3% of the general population, truncating variants in the A-band are the most common cause of dilated cardiomyopathy (DCM) (Herman DS et al. N. Engl. J. Med., 2012 Feb;366:619-28; Roberts AM et al. Sci Transl Med, 2015 Jan;7:270ra6). TTN truncating variants encoded in constitutive exons (PSI >90%) have been found to be significantly associated with DCM regardless of their position in titin (Schafer S et al. Nat. Genet., 2017 01;49:46-53). Based on the majority of available evidence to date, this variant is likely to be pathogenic.

Victorian Clinical Genetics Services, Murdoch Childrens Research Institute
Classification: Likely pathogenic for Dilated cardiomyopathy 1G. Last evaluated: 2022-09-02. Review status: criteria provided, single submitter. Criteria: ACMG Guidelines, 2015. Collection method: clinical testing. Allele origin: germline. Inheritance: Autosomal dominant inheritance. Affected: yes.
Comment: Based on the classification scheme VCGS_Germline_v1.3.4, this variant is classified as Likely pathogenic. Following criteria are met: 0102 - Loss of function is known mechanism of disease in this gene. In addition, dominant negative is also a suggested mechanism. (PMID: 25589632). (I) 0108 - This gene is associated with both recessive and dominant disease (OMIM). (I) 0112 - The condition associated with this gene has incomplete penetrance. Variants in this gene that result in a premature termination codon are known to have reduced penetrance in dilated cardiomyopathy (PMID: 25589632). (I) 0201 - Variant is predicted to cause nonsense-mediated decay (NMD) and loss of protein (premature termination codon is located at least 54 nucleotides upstream of the final exon-exon junction). (SP) 0251 - This variant is heterozygous. (I) 0301 - Variant is absent from gnomAD (both v2 and v3). (SP) 0600 - Variant is located in the annotated C-terminal A-band and the exon has a PSI score of 100 (PMID: 25589632). (I) 0703 - Other premature termination variants comparable to the one identified in this case have moderate previous evidence for pathogenicity (ClinVar). (SP) 0803 - This variant has limited previous evidence of pathogenicity in unrelated individuals. It has been reported as heterozygous in a cohort of nonischemic dilated cardiomyopathy patients, however the exact number of heterozygotes was not provided (PMID: 32998006). It has also been reported once as likely pathogenic in an individual with cardiomyopathy (ClinVar, personal communication). (SP) 0905 - No published segregation evidence has been identified for this variant. (I) 1007 - No published functional evidence has been identified for this variant. (I) 1208 - Inheritance information for this variant is not currently available in this individual. (I) Legend: (SP) - Supporting pathogenic, (I) - Information, (SB) - Supporting benign

Labcorp Genetics (formerly Invitae), Labcorp
Classification: Likely pathogenic for Dilated cardiomyopathy 1G; Autosomal recessive limb-girdle muscular dystrophy type 2J. Last evaluated: 2019-04-12. Review status: criteria provided, single submitter. Criteria: Invitae Variant Classification Sherloc (09022015). Collection method: clinical testing. Allele origin: germline.
Comment: This sequence change results in a premature translational stop signal in the TTN gene (p.Arg28196Alafs*18). While this is not anticipated to result in nonsense mediated decay, it is expected to create a truncated TTN protein. This variant is not present in population databases (ExAC no frequency). This variant has not been reported in the literature in individuals with TTN-related conditions. This variant is located in the A band of TTN (PMID: 25589632). Truncating variants in this region are significantly overrepresented in patients affected with dilated cardiomyopathy (PMID: 25589632). Truncating variants in this region have also been reported in individuals affected with autosomal recessive centronuclear myopathy (PMID: 23975875). In summary, the currently available evidence indicates that the variant is pathogenic, but additional data are needed to prove that conclusively. Therefore, this variant has been classified as Likely Pathogenic.

Literature cited by the submitters: PubMed 32998006 (cited by Ambry Genetics and Victorian Clinical Genetics Services, Murdoch Childrens Research Institute); PubMed 25589632 (cited by Victorian Clinical Genetics Services, Murdoch Childrens Research Institute and Labcorp Genetics (formerly Invitae), Labcorp); PubMed 23975875 (cited by Labcorp Genetics (formerly Invitae), Labcorp).

NM_001267550.2(TTN):c.84586_84589del (p.Arg28196fs)

Genes: TTN (titin; minus strand), TTN-AS1 (TTN antisense RNA 1; plus strand). Cytogenetic location: 2q31.2.
Variant type: Microsatellite.
Coding change: c.84586_84589del on transcript NM_001267550.2 (MANE Select); coding-DNA positions 84586 to 84589, 4 bases deleted (AGAA; older notation c.84586_84589delAGAA).
Protein change: p.Arg28196fs; shifts the reading frame from arginine 28196.
Molecular consequence: frameshift variant.
Genome position (GRCh38, 1-based): chr2:178,561,543-178,561,546, TTCT deleted on the plus strand (AGAA on the coding strand, the reverse complement: TTN is on the minus strand); deleting any 4 consecutive bases within chr2:178,561,543-178,561,552 gives the same sequence; the c. name uses the placement nearest the transcript's 3' end. VCF-style (leftmost placement, unchanged base first): chr2-178561542-CTTCT-C. GRCh37 (hg19) VCF-style: chr2-179426269-CTTCT-C.
Other names: c.79663_79666del, p.Arg26555fs (NM_001256850.1); c.57391_57394del, p.Arg19131fs (NM_003319.4); c.76882_76885del, p.Arg25628fs (NM_133378.4); c.57766_57769del, p.Arg19256fs (NM_133432.3); c.57967_57970del, p.Arg19323fs (NM_133437.4); c.57391_57394delAGAA (NM_003319.4); c.84586_84589delAGAA (NM_001267550.1); c.84586_84589del (NM_001267550.1); short protein forms R25628fs, R28196fs, R19131fs, R19256fs, R19323fs, R26555fs.
Identifiers: ClinVar variation 852135 (VCV000852135.15), dbSNP rs1703664543, ClinGen allele CA916081339.